The following is an entry in ClinVar:

NM_001048174.2(MUTYH):c.134A>G (p.Glu45Gly)

Gene: MUTYH (mutY DNA glycosylase; minus strand). Cytogenetic location: 1p34.1.
Variant type: single nucleotide variant.
Coding change: c.134A>G on transcript NM_001048174.2 (MANE Select); coding-DNA position 134, A replaced by G.
Protein change: p.Glu45Gly; replaces glutamic acid 45 with glycine.
Molecular consequence: missense variant. On other transcripts: 5 prime UTR variant (1), non-coding transcript variant (5), intron variant (5).
Genome position (GRCh38, 1-based): chr1:45,333,543, T>C on the plus strand (A>G on the coding strand, the complement: MUTYH is on the minus strand). VCF-style: chr1-45333543-T-C. GRCh37 (hg19) VCF-style: chr1-45799215-T-C.
Other names: c.134A>G, p.Glu45Gly (NM_001048171.2, NM_001048173.2, NM_001293195.2 and 6 more transcripts); c.137A>G, p.Glu46Gly (NM_001048172.2, NM_001407071.1, NM_001407078.1 and 2 more transcripts); c.218A>G, p.Glu73Gly (NM_001128425.2); c.179A>G, p.Glu60Gly (NM_001293190.2); c.167A>G, p.Glu56Gly (NM_001293191.2, NM_001407077.1); c.-138A>G (NM_001350650.2); c.209A>G, p.Glu70Gly (NM_001407069.1, NM_012222.3); c.176A>G, p.Glu59Gly (NM_001407073.1, NM_001407083.1, NM_001407085.1); and 4 more; short protein forms E17G, E70G, E73G, E45G, E46G, E56G, E60G, E52G.
Identifiers: ClinVar variation 4113513 (VCV004113513.1).

ClinVar aggregate classification (germline): Uncertain significance (1 of 4 stars; one submission).

Conditions:
Hereditary cancer-predisposing syndrome. Also called: Hereditary neoplastic syndrome; Neoplastic Syndromes, Hereditary; Tumor predisposition; Hereditary Cancer Syndrome. Identifiers: Orphanet 140162, MedGen C0027672, MeSH D009386, MONDO:0015356.

Submission:

Ambry Genetics
Classification: Uncertain significance for Hereditary cancer-predisposing syndrome. Last evaluated: 2025-08-27. Review status: criteria provided, single submitter. Criteria: Ambry Variant Classification Scheme 2023. Collection method: clinical testing. Allele origin: germline.
Comment: The p.E73G variant (also known as c.218A>G), located in coding exon 3 of the MUTYH gene, results from an A to G substitution at nucleotide position 218. The glutamic acid at codon 73 is replaced by glycine, an amino acid with similar properties. This amino acid position is conserved. In addition, this alteration is predicted to be tolerated by in silico analysis. Based on the available evidence, the clinical significance of this variant remains unclear.